The following is an entry in ClinVar:

ClinVar aggregate classification (germline): Benign/Likely benign. Review status: criteria provided, multiple submitters, no conflicts (2 of 4 stars). 15 submissions from 15 submitters: Benign (10); Likely benign (4). 1 of the submissions does not count toward it. Last evaluated 2026-08-01.

Conditions:
TSC2-related disorder. Also called: TSC2-related condition; TSC2-Related Disorders.
Hereditary cancer-predisposing syndrome. Also called: Neoplastic Syndromes, Hereditary; Tumor predisposition; Hereditary neoplastic syndrome; Hereditary Cancer Syndrome. Identifiers: Orphanet 140162, MedGen C0027672, MeSH D009386, MONDO:0015356.
Tuberous sclerosis syndrome (TSC). Also called: Tuberous Sclerosis Complex; Tuberous sclerosis. Identifiers: Orphanet 805, MedGen C0041341, MONDO:0001734.
Tuberous sclerosis 2 (TSC2). Identifiers: Orphanet 805, MedGen C1860707, MONDO:0013199, OMIM 613254.

Allele frequency attached by ClinVar (database versions not stated): 1000 Genomes Project 0.00040; 1000 Genomes Project 30x 0.00047; gnomAD 0.00086; TOPMed 0.00096; ESP Exome Variant Server 0.00108.
gnomAD v4.1: 316 of 1,613,526 alleles (0.02%); highest among the groups gnomAD compares: African/African-American, 0.31%; no homozygotes.

Submissions (15):

CeGaT Center for Human Genetics Tuebingen
Classification: Likely benign. Last evaluated: 2026-08-01. Review status: criteria provided, single submitter. Criteria: CeGaT Center For Human Genetics Tuebingen Variant Classification Criteria Version 2. Collection method: clinical testing. Allele origin: germline. Affected: yes. Observed: 2 variant alleles.
Comment: TSC2: BP4, BP7, BS1

Labcorp Genetics (formerly Invitae), Labcorp
Classification: Benign for Tuberous sclerosis 2. Last evaluated: 2026-02-03. Review status: criteria provided, single submitter. Criteria: Invitae Variant Classification Sherloc (09022015). Collection method: clinical testing. Allele origin: germline.

Myriad Genetics, Inc.
Classification: Benign for Tuberous sclerosis 2. Last evaluated: 2025-05-22. Review status: criteria provided, single submitter. Criteria: Myriad Autosomal Dominant, Autosomal Recessive and X-Linked Classification Criteria (2023). Collection method: clinical testing. Allele origin: unknown.
Comment: This variant is considered benign. This variant is a silent/synonymous amino acid change and it is not expected to impact splicing.

KCCC/NGS Laboratory, Kuwait Cancer Control Center
Classification: Benign for Tuberous sclerosis 2. Last evaluated: 2025-02-01. Review status: criteria provided, single submitter. Criteria: ACMG Guidelines, 2015. Collection method: clinical testing. Allele origin: germline. Affected: no.

Blueprint Genetics
Classification: Likely benign. Last evaluated: 2024-10-15. Review status: criteria provided, single submitter. Criteria: ACMG Guidelines, 2015. Collection method: clinical testing. Allele origin: germline.

Color Diagnostics, LLC DBA Color Health
Classification: Benign for Tuberous sclerosis syndrome. Last evaluated: 2022-09-28. Review status: criteria provided, single submitter. Criteria: ACMG Guidelines, 2015. Collection method: clinical testing. Allele origin: germline.

Genome-Nilou Lab
Classification: Benign for Tuberous sclerosis 2. Last evaluated: 2021-11-07. Review status: criteria provided, single submitter. Criteria: ACMG Guidelines, 2015. Collection method: clinical testing. Allele origin: germline. Affected: no.

Sema4
Classification: Benign for Hereditary cancer-predisposing syndrome. Last evaluated: 2020-08-25. Review status: criteria provided, single submitter. Criteria: Sema4 Curation Guidelines. Collection method: curation. Allele origin: germline.

Athena Diagnostics
Classification: Benign. Last evaluated: 2017-06-26. Review status: criteria provided, single submitter. Criteria: Athena Diagnostics Criteria. Collection method: clinical testing. Allele origin: germline.

Quest Diagnostics Nichols Institute San Juan Capistrano
Classification: Benign. Last evaluated: 2017-06-26. Review status: criteria provided, single submitter. Criteria: Quest Diagnostics criteria. Collection method: clinical testing. Allele origin: unknown.

Eurofins Ntd Llc (ga)
Classification: Likely benign. Last evaluated: 2016-08-15. Review status: criteria provided, single submitter. Criteria: EGL Classification Definitions 2015. Collection method: clinical testing. Allele origin: germline. Observed: 1 variant allele, 1 heterozygote.

Laboratory for Molecular Medicine, Mass General Brigham Personalized Medicine
Classification: Benign. Last evaluated: 2015-09-30. Review status: criteria provided, single submitter. Criteria: LMM Criteria. Collection method: clinical testing. Allele origin: germline. Observed: 1 variant allele.
Comment: p.Pro928Pro in exon 25 of TSC2: This variant is not expected to have clinical si gnificance because it does not alter an amino acid residue and is not located wi thin the splice consensus sequence. It has been identified in 0.36% (37/10338) o f African chromosomes by the Exome Aggregation Consortium (ExAC; dbSNP rs45517267).

Ambry Genetics
Classification: Likely benign for Hereditary cancer-predisposing syndrome. Last evaluated: 2015-03-23. Review status: criteria provided, single submitter. Criteria: Ambry Variant Classification Scheme 2023. Collection method: clinical testing. Allele origin: germline.

GeneDx
Classification: Benign. Last evaluated: 2012-03-08. Review status: criteria provided, single submitter. Criteria: GeneDx Variant Classification (06012015). Collection method: clinical testing. Allele origin: germline. Affected: yes.
Comment: This variant is considered likely benign or benign based on one or more of the following criteria: it is a conservative change, it occurs at a poorly conserved position in the protein, it is predicted to be benign by multiple in silico algorithms, and/or has population frequency not consistent with disease.

PreventionGenetics, part of Exact Sciences
Classification: Likely benign for TSC2-related condition. Last evaluated: 2019-12-20. Review status: no assertion criteria provided. Collection method: clinical testing. Allele origin: germline. Not counted in ClinVar's aggregate classification.
Comment: This variant is classified as likely benign based on ACMG/AMP sequence variant interpretation guidelines (Richards et al. 2015 PMID: 25741868, with internal and published modifications).

NM_000548.5(TSC2):c.2784C>T (p.Pro928=)

Gene: TSC2 (TSC complex subunit 2; plus strand). Cytogenetic location: 16p13.3.
Variant type: single nucleotide variant.
Coding change: c.2784C>T on transcript NM_000548.5 (MANE Select); coding-DNA position 2784, C replaced by T.
Protein change: p.Pro928=; no amino-acid change (proline 928 retained).
Molecular consequence: synonymous variant.
Genome position (GRCh38, 1-based): chr16:2,076,532, C>T. VCF-style: chr16-2076532-C-T. GRCh37 (hg19) VCF-style: chr16-2126533-C-T.
Other names: p.P928P:CCC>CCT; c.2784C>T, p.Pro928= (NM_001077183.3, NM_001114382.3, NM_001363528.2 and 3 more transcripts); c.2673C>T, p.Pro891= (NM_001318827.2); c.2637C>T, p.Pro879= (NM_001318829.2); c.2184C>T, p.Pro728= (NM_001318831.2); c.2817C>T, p.Pro939= (NM_001318832.2); c.2784C>T (NM_000548.4).
Identifiers: ClinVar variation 137744 (VCV000137744.58), dbSNP rs45517267, ClinGen allele CA018173.